The following is an entry in ClinVar:

NM_019844.4(SLCO1B3):c.1855G>A (p.Val619Ile)

Genes: SLCO1B3 (solute carrier organic anion transporter family member 1B3; plus strand), SLCO1B3-SLCO1B7 (SLCO1B3-SLCO1B7 readthrough; plus strand). Cytogenetic location: 12p12.2.
Variant type: single nucleotide variant.
Coding change: c.1855G>A on transcript NM_019844.4 (MANE Select); coding-DNA position 1855, G replaced by A.
Protein change: p.Val619Ile; replaces valine 619 with isoleucine.
Molecular consequence: missense variant.
Genome position (GRCh38, 1-based): chr12:20,901,457, G>A. VCF-style: chr12-20901457-G-A. GRCh37 (hg19) VCF-style: chr12-21054391-G-A.
Other names: c.1771G>A, p.Val591Ile (NM_001349920.2); short protein forms V619I, V591I.
Identifiers: ClinVar variation 307911 (VCV000307911.7), dbSNP rs202234562, ClinGen allele CA6475726.

ClinVar aggregate classification (germline): Uncertain significance. Review status: criteria provided, single submitter (1 of 4 stars). 2 submissions from 2 submitters: Uncertain significance (1). 1 of the submissions does not count toward it. Last evaluated 2018-01-12.

Conditions:
Rotor syndrome (HBLRR). Also called: HYPERBILIRUBINEMIA, ROTOR TYPE, DIGENIC; HYPERBILIRUBINEMIA, ROTOR TYPE. Identifiers: Orphanet 3111, MedGen C0220991, MONDO:0009379, OMIM 237450.
SLCO1B3-related disorder. Also called: SLCO1B3-related condition.

Allele frequency attached by ClinVar (database versions not stated): ESP Exome Variant Server 0.00031; TOPMed 0.00038; 1000 Genomes Project 30x 0.00047; 1000 Genomes Project 0.00060; gnomAD 0.00105; ExAC 0.00118.
gnomAD v4.1: 968 of 1,517,582 alleles (0.064%); highest among the groups gnomAD compares: Non-Finnish European, 0.063%; 2 homozygotes.

Submissions (2):

Illumina Laboratory Services, Illumina
Classification: Uncertain significance for Rotor syndrome. Last evaluated: 2018-01-12. Review status: criteria provided, single submitter. Criteria: ICSL Variant Classification Criteria 13 December 2019. Collection method: clinical testing. Allele origin: germline.

PreventionGenetics, part of Exact Sciences
Classification: Likely benign for SLCO1B3-related condition. Last evaluated: 2023-05-09. Review status: no assertion criteria provided. Collection method: clinical testing. Allele origin: germline. Not counted in ClinVar's aggregate classification.
Comment: This variant is classified as likely benign based on ACMG/AMP sequence variant interpretation guidelines (Richards et al. 2015 PMID: 25741868, with internal and published modifications).